The following is an entry in ClinVar:

NM_001853.4(COL9A3):c.1541dup (p.Val515fs)

Genes: COL9A3 (collagen type IX alpha 3 chain; plus strand), LOC126863084 (MED14-independent group 3 enhancer GRCh37_chr20:61467141-61468340; plus strand). Cytogenetic location: 20q13.33.
Variant type: Duplication.
Coding change: c.1541dup on transcript NM_001853.4 (MANE Select); coding-DNA position 1541, one base duplicated (G; older notation c.1541dupG).
Protein change: p.Val515fs; shifts the reading frame from valine 515.
Molecular consequence: frameshift variant.
Genome position (GRCh38, 1-based): chr20:62,836,326, G duplicated; the last of 3 consecutive G bases (chr20:62,836,324-62,836,326); duplicating any one gives the same sequence. VCF-style (leftmost placement, unchanged base first): chr20-62836323-C-CG. GRCh37 (hg19) VCF-style: chr20-61467675-C-CG.
Other names: short protein forms V515fs.
Identifiers: ClinVar variation 3661893 (VCV003661893.2).

ClinVar aggregate classification (germline): Pathogenic (1 of 4 stars; one submission).

Submission:

Labcorp Genetics (formerly Invitae), Labcorp
Classification: Pathogenic. Last evaluated: 2024-11-05. Review status: criteria provided, single submitter. Criteria: Invitae Variant Classification Sherloc (09022015). Collection method: clinical testing. Allele origin: germline.
Comment: This sequence change creates a premature translational stop signal (p.Val515Serfs*86) in the COL9A3 gene. It is expected to result in an absent or disrupted protein product. Loss-of-function variants in COL9A3 are known to be pathogenic (PMID: 24273071, 31090205). This variant is not present in population databases (gnomAD no frequency). This variant has not been reported in the literature in individuals affected with COL9A3-related conditions. For these reasons, this variant has been classified as Pathogenic.

Literature cited by the submitters: PubMed 24273071; PubMed 31090205.